The following is an entry in ClinVar:

ClinVar aggregate classification (germline): Pathogenic. Review status: criteria provided, multiple submitters, no conflicts (2 of 4 stars). 3 submissions from 3 submitters: Pathogenic (3). Last evaluated 2025-06-29.

Conditions:
Ectopia lentis et pupillae. Also called: ECTOPIA LENTIS WITH ECTOPIA OF PUPIL. Identifiers: Orphanet 1885, MedGen C1644196, MONDO:0009153, OMIM 225200.
Ectopia lentis 2, isolated, autosomal recessive (ECTOL2). Identifiers: Orphanet 1885, MedGen C3541474, MONDO:0009152, OMIM 225100.

gnomAD v4.1: 5 of 1,613,610 alleles (0.00031%); highest among the groups gnomAD compares: East Asian, 0.011%; no homozygotes.

Submissions (3):

Labcorp Genetics (formerly Invitae), Labcorp
Classification: Pathogenic. Last evaluated: 2025-06-29. Review status: criteria provided, single submitter. Criteria: Invitae Variant Classification Sherloc (09022015). Collection method: clinical testing. Allele origin: germline.
Comment: This sequence change creates a premature translational stop signal (p.Cys799*) in the ADAMTSL4 gene. It is expected to result in an absent or disrupted protein product. Loss-of-function variants in ADAMTSL4 are known to be pathogenic (PMID: 20564469, 28642162). This variant is present in population databases (rs199530808, gnomAD 0.03%). This premature translational stop signal has been observed in individual(s) with ectopia lentis (PMID: 35042684). ClinVar contains an entry for this variant (Variation ID: 2712221). For these reasons, this variant has been classified as Pathogenic.

Fulgent Genetics
Classification: Pathogenic for Ectopia lentis 2, isolated, autosomal recessive; Ectopia lentis et pupillae. Last evaluated: 2024-06-25. Review status: criteria provided, single submitter. Criteria: ACMG Guidelines, 2015. Collection method: clinical testing. Allele origin: germline.

Juno Genomics, Hangzhou Juno Genomics, Inc
Classification: Pathogenic for Ectopia lentis et pupillae; Ectopia lentis 2, isolated, autosomal recessive. Review status: criteria provided, single submitter. Criteria: ACMG Guidelines, 2015. Collection method: clinical testing. Allele origin: germline.
Comment: Absent from controls (or at extremely low frequency if recessive) in Genome Aggregation Database.;Null variant in a gene where loss of function (LOF) is a known mechanism of disease.;Patient's phenotype or family history is highly specific for a disease with a single genetic etiology.

Literature cited by the submitters: PubMed 20564469 (cited by Labcorp Genetics (formerly Invitae), Labcorp); PubMed 28642162 (cited by Labcorp Genetics (formerly Invitae), Labcorp); PubMed 35042684 (cited by Labcorp Genetics (formerly Invitae), Labcorp).

NM_019032.6(ADAMTSL4):c.2397C>A (p.Cys799Ter)

Gene: ADAMTSL4 (ADAMTS like 4; plus strand). Cytogenetic location: 1q21.2.
Variant type: single nucleotide variant.
Coding change: c.2397C>A on transcript NM_019032.6 (MANE Select); coding-DNA position 2397, C replaced by A.
Protein change: p.Cys799Ter; replaces cysteine 799 with a stop codon.
Molecular consequence: nonsense.
Genome position (GRCh38, 1-based): chr1:150,558,487, C>A. VCF-style: chr1-150558487-C-A. GRCh37 (hg19) VCF-style: chr1-150530963-C-A.
Other names: c.2280C>A, p.Cys760Ter (NM_001288607.2); c.2466C>A, p.Cys822Ter (NM_001288608.2); c.2397C>A, p.Cys799Ter (NM_001378596.1, NM_025008.5); short protein forms C760*, C799*, C822*.
Identifiers: ClinVar variation 2712221 (VCV002712221.6), dbSNP rs199530808, ClinGen allele CA1078664.